The following is an entry in ClinVar:

ClinVar aggregate classification (germline): Benign. Review status: criteria provided, multiple submitters, no conflicts (2 of 4 stars). 2 submissions from 2 submitters: Benign (2). Last evaluated 2018-01-13.

Conditions:
Oroticaciduria. Also called: Orotic aciduria. Identifiers: Orphanet 30, MedGen C0268128, HP:0003218.

Allele frequency attached by ClinVar (database versions not stated): ExAC 0.19125; gnomAD 0.17761 and 0.17625; 1000 Genomes Project 0.18610; 1000 Genomes Project 30x 0.18723; gnomAD exomes 0.19084 and 0.19995; TOPMed 0.17981.
gnomAD v4.1: 84,213 of 453,854 alleles (19%); highest among the groups gnomAD compares: Admixed American, 29%; 8,622 homozygotes.

Submissions (2):

Illumina Laboratory Services, Illumina
Classification: Benign for Hereditary orotic aciduria. Last evaluated: 2018-01-13. Review status: criteria provided, single submitter. Criteria: ICSL Variant Classification Criteria 13 December 2019. Collection method: clinical testing. Allele origin: germline.
Comment: This variant was observed in the ICSL laboratory as part of a predisposition screen in an ostensibly healthy population. It had not been previously curated by ICSL or reported in the Human Gene Mutation Database (HGMD: prior to June 1st, 2018), and was therefore a candidate for classification through an automated scoring system. Utilizing variant allele frequency, disease prevalence and penetrance estimates, and inheritance mode, an automated score was calculated to assess if this variant is too frequent to cause the disease. Based on the score and internal cut-off values, a variant classified as benign is not then subjected to further curation. The score for this variant resulted in a classification of benign for this disease.

Breakthrough Genomics
Classification: Benign. Review status: criteria provided, single submitter. Criteria: ACMG Guidelines, 2015. Collection method: not provided. Allele origin: germline. Inheritance: Autosomal recessive inheritance. Affected: yes.

NM_000373.4(UMPS):c.*725A>T

Gene: UMPS (uridine monophosphate synthetase; plus strand). Cytogenetic location: 3q21.2.
Variant type: single nucleotide variant.
Coding change: c.*725A>T on transcript NM_000373.4 (MANE Select); 725 bases downstream of the stop codon, A replaced by T.
Molecular consequence: 3 prime UTR variant. On other transcripts: non-coding transcript variant (2).
Genome position (GRCh38, 1-based): chr3:124,744,809, A>T. VCF-style: chr3-124744809-A-T. GRCh37 (hg19) VCF-style: chr3-124463656-A-T.
Identifiers: ClinVar variation 342941 (VCV000342941.6), dbSNP rs2242247, ClinGen allele CA2581947.